The following is an entry in ClinVar:

NM_000350.3(ABCA4):c.1832T>C (p.Leu611Pro)

Gene: ABCA4 (ATP binding cassette subfamily A member 4; minus strand). Cytogenetic location: 1p22.1.
Variant type: single nucleotide variant.
Coding change: c.1832T>C on transcript NM_000350.3 (MANE Select); coding-DNA position 1832, T replaced by C.
Protein change: p.Leu611Pro; replaces leucine 611 with proline.
Molecular consequence: missense variant.
Genome position (GRCh38, 1-based): chr1:94,062,682, A>G on the plus strand (T>C on the coding strand, the complement: ABCA4 is on the minus strand). VCF-style: chr1-94062682-A-G. GRCh37 (hg19) VCF-style: chr1-94528238-A-G.
Other names: c.1832T>C, p.Leu611Pro (NM_001425324.1); short protein forms L611P.
Identifiers: ClinVar variation 2733940 (VCV002733940.4), dbSNP rs760735952, ClinGen allele CA958415.

ClinVar aggregate classification (germline): Pathogenic/Likely pathogenic. Review status: criteria provided, multiple submitters, no conflicts (2 of 4 stars). 3 submissions from 3 submitters: Pathogenic (1); Likely pathogenic (2). Last evaluated 2025-12-12.

Conditions:
Cone-rod dystrophy 3 (CORD3). Identifiers: Orphanet 1872, MedGen C1858806, MONDO:0011395, OMIM 604116.
Retinal dystrophy. Also called: Inherited retinal dystrophy. Identifiers: Orphanet 71862, MedGen C0854723, MeSH D058499, MONDO:0019118, HP:0000556.

Allele frequency attached by ClinVar (database versions not stated): ExAC 0.00001.

Submissions (3):

Research Institute for Ophthalmology and Vision Science, Shahid Beheshti University of Medical Sciences
Classification: Likely pathogenic for Cone-rod dystrophy 3. Last evaluated: 2025-12-12. Review status: criteria provided, single submitter. Criteria: ACMG Guidelines, 2015. Collection method: research. Allele origin: inherited. Inheritance: Autosomal recessive inheritance. Affected: yes.
Comment: This variant has an extremely low frequency in gnomAD. It is located in a mutational hot spot domain. ABCA4 has a low rate of benign missense variants.

Labcorp Genetics (formerly Invitae), Labcorp
Classification: Pathogenic. Last evaluated: 2023-09-09. Review status: criteria provided, single submitter. Criteria: Invitae Variant Classification Sherloc (09022015). Collection method: clinical testing. Allele origin: germline.
Comment: This sequence change replaces leucine, which is neutral and non-polar, with proline, which is neutral and non-polar, at codon 611 of the ABCA4 protein (p.Leu611Pro). This variant is present in population databases (rs760735952, gnomAD 0.0009%). This missense change has been observed in individual(s) with Stargardt disease (PMID: 23755871, 32619608). In at least one individual the data is consistent with being in trans (on the opposite chromosome) from a pathogenic variant. Advanced modeling of protein sequence and biophysical properties (such as structural, functional, and spatial information, amino acid conservation, physicochemical variation, residue mobility, and thermodynamic stability) performed at Invitae indicates that this missense variant is expected to disrupt ABCA4 protein function. For these reasons, this variant has been classified as Pathogenic.

Institute of Human Genetics, Univ. Regensburg, Univ. Regensburg
Classification: Likely pathogenic for Retinal dystrophy. Last evaluated: 2016-01-01. Review status: criteria provided, single submitter. Criteria: ACMG Guidelines, 2015. Collection method: clinical testing. Allele origin: germline. Affected: yes.

Literature cited by the submitters: PubMed 35119454 (cited by Research Institute for Ophthalmology and Vision Science, Shahid Beheshti University of Medical Sciences and Institute of Human Genetics, Univ. Regensburg, Univ. Regensburg); PubMed 23755871 (cited by Labcorp Genetics (formerly Invitae), Labcorp and Institute of Human Genetics, Univ. Regensburg, Univ. Regensburg); PubMed 32619608 (cited by Labcorp Genetics (formerly Invitae), Labcorp and Institute of Human Genetics, Univ. Regensburg, Univ. Regensburg); PubMed 31964843 (cited by Institute of Human Genetics, Univ. Regensburg, Univ. Regensburg).